The following is an entry in ClinVar:

NM_000719.7(CACNA1C):c.4306G>A (p.Glu1436Lys)

Gene: CACNA1C (calcium voltage-gated channel subunit alpha1 C; plus strand). Cytogenetic location: 12p13.33.
Variant type: single nucleotide variant.
Coding change: c.4306G>A on transcript NM_000719.7 (MANE Select); coding-DNA position 4306, G replaced by A.
Protein change: p.Glu1436Lys; replaces glutamic acid 1436 with lysine.
Molecular consequence: missense variant.
Genome position (GRCh38, 1-based): chr12:2,664,898, G>A. VCF-style: chr12-2664898-G-A. GRCh37 (hg19) VCF-style: chr12-2774064-G-A.
Other names: c.4450G>A, p.Glu1484Lys (NM_001129827.2, NM_199460.4); c.4372G>A, p.Glu1458Lys (NM_001129829.2); c.4306G>A, p.Glu1436Lys (NM_001129830.3, NM_001129833.2, NM_001129834.2 and 7 more transcripts); c.4390G>A, p.Glu1464Lys (NM_001129831.2); c.4366G>A, p.Glu1456Lys (NM_001129832.2); c.4357G>A, p.Glu1453Lys (NM_001129836.2); c.4273G>A, p.Glu1425Lys (NM_001129837.2, NM_001129838.2, NM_001129846.2 and 1 more transcripts); c.4267G>A, p.Glu1423Lys (NM_001129839.2); and 1 more; short protein forms E1423K, E1425K, E1433K, E1436K, E1453K, E1456K, E1458K, E1464K.
Identifiers: ClinVar variation 3370824 (VCV003370824.10).

ClinVar aggregate classification (germline): Uncertain significance. Review status: criteria provided, multiple submitters, no conflicts (2 of 4 stars). 3 submissions from 3 submitters: Uncertain significance (3). Last evaluated 2026-03-29.

Conditions:
Cardiovascular phenotype. Identifiers: MedGen CN230736.

gnomAD v4.1: 3 of 1,613,562 alleles (0.00019%); highest among the groups gnomAD compares: South Asian, 0.0011%; no homozygotes.

Submissions (3):

Ambry Genetics
Classification: Uncertain significance for Cardiovascular phenotype. Last evaluated: 2026-03-29. Review status: criteria provided, single submitter. Criteria: Ambry Variant Classification Scheme 2023. Collection method: clinical testing. Allele origin: germline.
Comment: The p.E1436K variant (also known as c.4306G>A), located in coding exon 35 of the CACNA1C gene, results from a G to A substitution at nucleotide position 4306. The glutamic acid at codon 1436 is replaced by lysine, an amino acid with similar properties. This amino acid position is conserved. In addition, this alteration is predicted to be deleterious by in silico analysis. Based on the available evidence, the clinical significance of this variant remains unclear.

CeGaT Center for Human Genetics Tuebingen
Classification: Uncertain significance. Last evaluated: 2025-06-01. Review status: criteria provided, single submitter. Criteria: CeGaT Center For Human Genetics Tuebingen Variant Classification Criteria Version 2. Collection method: clinical testing. Allele origin: germline. Affected: yes. Observed: 1 variant allele.
Comment: CACNA1C: PM2:Supporting, PP2

GeneDx
Classification: Uncertain significance. Last evaluated: 2024-03-11. Review status: criteria provided, single submitter. Criteria: GeneDx Variant Classification Process June 2021. Collection method: clinical testing. Allele origin: germline. Affected: yes.
Comment: Not observed at significant frequency in large population cohorts (gnomAD); In silico analysis supports that this missense variant has a deleterious effect on protein structure/function; Has not been previously published as pathogenic or benign to our knowledge